The following is an entry in ClinVar:

ClinVar aggregate classification (germline): Pathogenic (1 of 4 stars; one submission).

Submission:

Labcorp Genetics (formerly Invitae), Labcorp
Classification: Pathogenic. Last evaluated: 2023-11-10. Review status: criteria provided, single submitter. Criteria: Invitae Variant Classification Sherloc (09022015). Collection method: clinical testing. Allele origin: germline.
Comment: This sequence change creates a premature translational stop signal (p.Gly28Alafs*125) in the LONP1 gene. It is expected to result in an absent or disrupted protein product. Loss-of-function variants in LONP1 are known to be pathogenic (PMID: 25017063, 25808063, 28148925). This variant is not present in population databases (gnomAD no frequency). This variant has not been reported in the literature in individuals affected with LONP1-related conditions. ClinVar contains an entry for this variant (Variation ID: 2053784). For these reasons, this variant has been classified as Pathogenic.

Literature cited by the submitters: PubMed 25017063; PubMed 25808063; PubMed 28148925.

NM_004793.4(LONP1):c.56_77dup (p.Gly28fs)

Gene: LONP1 (lon peptidase 1, mitochondrial; minus strand). Cytogenetic location: 19p13.3.
Variant type: Duplication.
Coding change: c.56_77dup on transcript NM_004793.4 (MANE Select); coding-DNA positions 56 to 77, 22 bases duplicated (TGCGGCGGCCGATGCTGGCCGC).
Protein change: p.Gly28fs; shifts the reading frame from glycine 28.
Molecular consequence: frameshift variant. On other transcripts: non-coding transcript variant (1), intron variant (1).
Genome position (GRCh38, 1-based): chr19:5,720,056-5,720,077, GCGGCCAGCATCGGCCGCCGCA duplicated on the plus strand (TGCGGCGGCCGATGCTGGCCGC on the coding strand, the reverse complement: LONP1 is on the minus strand); duplicating any 22 consecutive bases within chr19:5,720,056-5,720,079 gives the same sequence; the c. name uses the placement nearest the transcript's 3' end. VCF-style (leftmost placement, unchanged base first): chr19-5720055-G-GGCGGCCAGCATCGGCCGCCGCA. GRCh37 (hg19) VCF-style: chr19-5720066-G-GGCGGCCAGCATCGGCCGCCGCA.
Other names: c.56_77dup, p.Gly28fs (NM_001276479.2); c.-160+142_-160+163dup (NM_001276480.1); short protein forms G28fs.
Identifiers: ClinVar variation 2053784 (VCV002053784.4), dbSNP rs2512443872, ClinGen allele CA2580097011.
Genomic context (GRCh38, chr19:5,720,055, plus strand): 5'-GCAGGTCCGCTGGCCTCGGAGCAACCACGCTCCTGCTGCAGTGGGAACCCGCCCCCCGGC[G>GGCGGCCAGCATCGGCCGCCGCA]GCGGCCAGCATCGGCCGCCGCAGCACCCAGCACCGCGCCGCTCCCCACAGTCGCACGTAG-3'